The following is an entry in ClinVar:

ClinVar aggregate classification (germline): Likely benign (1 of 4 stars; one submission).

gnomAD v4.1: 558 of 1,614,194 alleles (0.035%); highest among the groups gnomAD compares: South Asian, 0.57%; 10 homozygotes.

Submission:

CeGaT Center for Human Genetics Tuebingen
Classification: Likely benign. Last evaluated: 2026-06-01. Review status: criteria provided, single submitter. Criteria: CeGaT Center For Human Genetics Tuebingen Variant Classification Criteria Version 2. Collection method: clinical testing. Allele origin: germline. Affected: yes. Observed: 1 variant allele.
Comment: NCOA1: BP4

NM_003743.5(NCOA1):c.1646A>G (p.Asn549Ser)

Gene: NCOA1 (nuclear receptor coactivator 1; plus strand). Cytogenetic location: 2p23.3.
Variant type: single nucleotide variant.
Coding change: c.1646A>G on transcript NM_003743.5 (MANE Select); coding-DNA position 1646, A replaced by G.
Protein change: p.Asn549Ser; replaces asparagine 549 with serine.
Molecular consequence: missense variant.
Genome position (GRCh38, 1-based): chr2:24,707,116, A>G. VCF-style: chr2-24707116-A-G. GRCh37 (hg19) VCF-style: chr2-24929985-A-G.
Other names: c.1646A>G, p.Asn549Ser (NM_001362950.1, NM_001362952.1, NM_001362954.1 and 3 more transcripts); short protein forms N549S.
Identifiers: ClinVar variation 4872106 (VCV004872106.2).